The following is an entry in ClinVar:

ClinVar aggregate classification (germline): Likely benign. Review status: criteria provided, multiple submitters, no conflicts (2 of 4 stars). 5 submissions from 5 submitters: Likely benign (4). 1 of the submissions does not count toward it. Last evaluated 2025-12-03.

Conditions:
Inborn genetic diseases. Identifiers: MedGen C0950123, MeSH D030342.
Dyskeratosis congenita, autosomal dominant 6 (DKCA6). Identifiers: Orphanet 3322, MedGen C4225284, MONDO:0014690, OMIM 616553.
ACD-related disorder. Also called: ACD-related condition.

Allele frequency attached by ClinVar (database versions not stated): ExAC 0.00003; gnomAD exomes 0.00005 and 0.00025; ESP Exome Variant Server 0.00008; TOPMed 0.00011; gnomAD 0.00015 and 0.00016; 1000 Genomes Project 0.00020; 1000 Genomes Project 30x 0.00031.
gnomAD v4.1: 379 of 1,613,616 alleles (0.023%); highest among the groups gnomAD compares: Non-Finnish European, 0.03%; no homozygotes.

Submissions (5):

Labcorp Genetics (formerly Invitae), Labcorp
Classification: Likely benign for Dyskeratosis congenita, autosomal dominant 6. Last evaluated: 2025-12-03. Review status: criteria provided, single submitter. Criteria: Invitae Variant Classification Sherloc (09022015). Collection method: clinical testing. Allele origin: germline.

CeGaT Center for Human Genetics Tuebingen
Classification: Likely benign. Last evaluated: 2025-04-01. Review status: criteria provided, single submitter. Criteria: CeGaT Center For Human Genetics Tuebingen Variant Classification Criteria Version 2. Collection method: clinical testing. Allele origin: germline. Affected: yes. Observed: 1 variant allele.
Comment: ACD: BP4, BP7

Ambry Genetics
Classification: Likely benign for Inborn genetic diseases. Last evaluated: 2022-02-18. Review status: criteria provided, single submitter. Criteria: Ambry Variant Classification Scheme 2023. Collection method: clinical testing. Allele origin: germline.

Blueprint Genetics
Classification: Likely benign. Last evaluated: 2020-11-24. Review status: criteria provided, single submitter. Criteria: ACMG Guidelines, 2015. Collection method: clinical testing. Allele origin: germline.

PreventionGenetics, part of Exact Sciences
Classification: Likely benign for ACD-related condition. Last evaluated: 2019-05-02. Review status: no assertion criteria provided. Collection method: clinical testing. Allele origin: germline. Not counted in ClinVar's aggregate classification.
Comment: This variant is classified as likely benign based on ACMG/AMP sequence variant interpretation guidelines (Richards et al. 2015 PMID: 25741868, with internal and published modifications).

NM_001082486.2(ACD):c.837G>A (p.Pro279=)

Gene: ACD (ACD shelterin complex subunit and telomerase recruitment factor; minus strand). Cytogenetic location: 16q22.1.
Variant type: single nucleotide variant.
Coding change: c.837G>A on transcript NM_001082486.2 (MANE Select); coding-DNA position 837, G replaced by A.
Protein change: p.Pro279=; no amino-acid change (proline 279 retained).
Molecular consequence: synonymous variant.
Genome position (GRCh38, 1-based): chr16:67,658,355, C>T on the plus strand (G>A on the coding strand, the complement: ACD is on the minus strand). VCF-style: chr16-67658355-C-T. GRCh37 (hg19) VCF-style: chr16-67692258-C-T.
Other names: c.828G>A, p.Pro276= (NM_022914.3).
Identifiers: ClinVar variation 728419 (VCV000728419.21), dbSNP rs201965477, ClinGen allele CA8114496.